The following is an entry in ClinVar:

ClinVar aggregate classification (germline): Uncertain significance. Review status: criteria provided, multiple submitters, no conflicts (2 of 4 stars). 2 submissions from 2 submitters: Uncertain significance (2). Last evaluated 2025-05-21.

Conditions:
Neuroblastoma, susceptibility to, 3. Also called: ALK-Related Neuroblastic Tumor Susceptibility. Identifiers: Orphanet 635, MedGen C2751681, MONDO:0013083, OMIM 613014.
Hereditary cancer-predisposing syndrome. Also called: Neoplastic Syndromes, Hereditary; Tumor predisposition; Hereditary Cancer Syndrome; Hereditary neoplastic syndrome. Identifiers: Orphanet 140162, MedGen C0027672, MeSH D009386, MONDO:0015356.

Allele frequency attached by ClinVar (database versions not stated): TOPMed 0.00001; ExAC 0.00006; gnomAD exomes 0.00001; gnomAD 0.00001.
gnomAD v4.1: 9 of 1,557,912 alleles (0.00058%); highest among the groups gnomAD compares: Non-Finnish European, 0.00078%; no homozygotes.

Submissions (2):

Labcorp Genetics (formerly Invitae), Labcorp
Classification: Uncertain significance for Neuroblastoma, susceptibility to, 3. Last evaluated: 2025-05-21. Review status: criteria provided, single submitter. Criteria: Invitae Variant Classification Sherloc (09022015). Collection method: clinical testing. Allele origin: germline.
Comment: This sequence change replaces proline, which is neutral and non-polar, with arginine, which is basic and polar, at codon 97 of the ALK protein (p.Pro97Arg). This variant is present in population databases (rs765290844, gnomAD 0.003%). This variant has not been reported in the literature in individuals affected with ALK-related conditions. ClinVar contains an entry for this variant (Variation ID: 538190). An algorithm developed to predict the effect of missense changes on protein structure and function (PolyPhen-2) suggests that this variant is likely to be disruptive. In summary, the available evidence is currently insufficient to determine the role of this variant in disease. Therefore, it has been classified as a Variant of Uncertain Significance.

Ambry Genetics
Classification: Uncertain significance for Hereditary cancer-predisposing syndrome. Last evaluated: 2025-01-03. Review status: criteria provided, single submitter. Criteria: Ambry Variant Classification Scheme 2023. Collection method: clinical testing. Allele origin: germline.
Comment: The p.P97R variant (also known as c.290C>G), located in coding exon 1 of the ALK gene, results from a C to G substitution at nucleotide position 290. The proline at codon 97 is replaced by arginine, an amino acid with dissimilar properties. This amino acid position is highly conserved in available vertebrate species. In addition, this alteration is predicted to be deleterious by in silico analysis. Based on the available evidence, the clinical significance of this variant remains unclear.

NM_004304.5(ALK):c.290C>G (p.Pro97Arg)

Gene: ALK (ALK receptor tyrosine kinase; minus strand). Cytogenetic location: 2p23.1.
Variant type: single nucleotide variant.
Coding change: c.290C>G on transcript NM_004304.5 (MANE Select); coding-DNA position 290, C replaced by G.
Protein change: p.Pro97Arg; replaces proline 97 with arginine.
Molecular consequence: missense variant.
Genome position (GRCh38, 1-based): chr2:29,920,370, G>C on the plus strand (C>G on the coding strand, the complement: ALK is on the minus strand). VCF-style: chr2-29920370-G-C. GRCh37 (hg19) VCF-style: chr2-30143236-G-C.
Other names: short protein forms P97R.
Identifiers: ClinVar variation 538190 (VCV000538190.10), dbSNP rs765290844, ClinGen allele CA1595011.
Genomic context (GRCh38, chr2:29,920,370, plus strand): 5'-GGGGCTGGTGAACCGGCGGTCCAGGAGACCCCCGGCGCCGGCCCCAGCAACCTGAGCAGC[G>C]GGGCGCAGTCCAGAGCTAGCGAGCCGCGGGCCTCGGGCCTGCCAGCCTTCAGCTCCGAGG-3'
Protein context (NP_004295.2, residues 87-107): ARGSLALDCA[Pro97Arg]LLRLLGPAPG